The following is an entry in ClinVar:

ClinVar aggregate classification (germline): Uncertain significance (1 of 4 stars; one submission).

Conditions:
Ehlers-Danlos syndrome, type 4 (EDSVASC). Also called: Ehlers-Danlos syndrome vascular type; Ehlers Danlos syndrome, ecchymotic type; Ehlers Danlos syndrome, arterial type; Ehlers Danlos syndrome, Sack-Barabas type; Ehlers-Danlos Syndrome Type IV. Identifiers: Orphanet 286, MedGen C0268338, MONDO:0017314, OMIM 130050.

Submission:

Labcorp Genetics (formerly Invitae), Labcorp
Classification: Uncertain significance for Ehlers-Danlos syndrome, type 4. Last evaluated: 2022-12-06. Review status: criteria provided, single submitter. Criteria: Invitae Variant Classification Sherloc (09022015). Collection method: clinical testing. Allele origin: germline.
Comment: In summary, the available evidence is currently insufficient to determine the role of this variant in disease. Therefore, it has been classified as a Variant of Uncertain Significance. This variant has not been reported in the literature in individuals affected with COL3A1-related conditions. This variant results in a copy number gain of the genomic region encompassing exon(s) 23-24 of the COL3A1 gene. While the exact position of this variant cannot be determined from the data, sub-genic copy number gains are generally in tandem (PMID: 25640679). This variant is predicted to be in-frame, and likely preserves the integrity of the reading frame.

Literature cited by the submitters: PubMed 25640679.

NC_000002.11:g.(?_189860831)_(189861242_?)dup

Gene: COL3A1 (collagen type III alpha 1 chain; plus strand). Cytogenetic location: 2q32.2.
Variant type: Duplication.
Identifiers: ClinVar variation 1408972 (VCV001408972.6).